The following is an entry in ClinVar:

NM_020975.6(RET):c.853T>A (p.Phe285Ile)

Gene: RET (ret proto-oncogene; plus strand). Cytogenetic location: 10q11.21.
Variant type: single nucleotide variant.
Coding change: c.853T>A on transcript NM_020975.6 (MANE Select); coding-DNA position 853, T replaced by A.
Protein change: p.Phe285Ile; replaces phenylalanine 285 with isoleucine.
Molecular consequence: missense variant. On other transcripts: intron variant (22).
Genome position (GRCh38, 1-based): chr10:43,105,179, T>A. VCF-style: chr10-43105179-T-A. GRCh37 (hg19) VCF-style: chr10-43600627-T-A.
Other names: c.496+2550T>A (NM_001406783.1, NM_001406786.1); c.338-3852T>A (NM_001406778.1, NM_001406775.1, NM_001406776.1 and 1 more transcripts); c.337+4457T>A (NM_001406790.1, NM_001406788.1, NM_001406789.1 and 1 more transcripts); c.74-3852T>A (NM_001406784.1); c.74-6920T>A (NM_001406794.1, NM_001406792.1, NM_001406793.1); c.91T>A, p.Phe31Ile (NM_001355216.2); c.853T>A, p.Phe285Ile (NM_001406743.1, NM_001406744.1, NM_001406759.1 and 6 more transcripts); c.724T>A, p.Phe242Ile (NM_001406761.1, NM_001406762.1, NM_001406764.1 and 2 more transcripts); and 2 more; short protein forms F242I, F285I, F31I, F189I.
Identifiers: ClinVar variation 3645141 (VCV003645141.2).
Genomic context (GRCh38, chr10:43,105,179, plus strand): 5'-GAGGACGACTCGGCGCCCACCTTCCCCGCGGGCGTCGACACCGCCAGCGCCGTGGTGGAG[T>A]TCAAGCGGAAGGAGGTGCTTGTCCGCGCGTGCTGTGGTCTACCCAGTGTCTGTCTCCGGC-3'
Protein context (NP_066124.1, residues 275-295): GVDTASAVVE[Phe285Ile]KRKEDTVVAT

ClinVar aggregate classification (germline): Uncertain significance (1 of 4 stars; one submission).

Conditions:
Multiple endocrine neoplasia, type 2 (MEN2). Identifiers: Orphanet 653, MedGen C4048306, MONDO:0019003. Disease mechanism: gain of function.

Submission:

Labcorp Genetics (formerly Invitae), Labcorp
Classification: Uncertain significance for Multiple endocrine neoplasia, type 2. Last evaluated: 2024-03-09. Review status: criteria provided, single submitter. Criteria: Invitae Variant Classification Sherloc (09022015). Collection method: clinical testing. Allele origin: germline.
Comment: This sequence change replaces phenylalanine, which is neutral and non-polar, with isoleucine, which is neutral and non-polar, at codon 285 of the RET protein (p.Phe285Ile). This variant is not present in population databases (gnomAD no frequency). This variant has not been reported in the literature in individuals affected with RET-related conditions. An algorithm developed to predict the effect of missense changes on protein structure and function (PolyPhen-2) suggests that this variant is likely to be tolerated. In summary, the available evidence is currently insufficient to determine the role of this variant in disease. Therefore, it has been classified as a Variant of Uncertain Significance.